The following is an entry in ClinVar:

NM_000188.3(HK1):c.607A>G (p.Ile203Val)

Gene: HK1 (hexokinase 1; plus strand). Cytogenetic location: 10q22.1.
Variant type: single nucleotide variant.
Coding change: c.607A>G on transcript NM_000188.3 (MANE Select); coding-DNA position 607, A replaced by G.
Protein change: p.Ile203Val; replaces isoleucine 203 with valine.
Molecular consequence: missense variant.
Genome position (GRCh38, 1-based): chr10:69,369,252, A>G. VCF-style: chr10-69369252-A-G. GRCh37 (hg19) VCF-style: chr10-71129008-A-G.
Other names: c.607A>G (NM_000188.2); c.619A>G, p.Ile207Val (NM_001322364.2, NM_001358263.1, NM_033497.3 and 1 more transcripts); c.712A>G, p.Ile238Val (NM_001322365.2); c.523A>G, p.Ile175Val (NM_001322366.1); c.511A>G, p.Ile171Val (NM_001322367.1); c.604A>G, p.Ile202Val (NM_033496.3); c.571A>G, p.Ile191Val (NM_033500.2); short protein forms I171V, I175V, I203V, I238V, I191V, I202V, I207V.
Identifiers: ClinVar variation 2043127 (VCV002043127.5), dbSNP rs754747375, ClinGen allele CA5532392.

ClinVar aggregate classification (germline): Uncertain significance. Review status: criteria provided, multiple submitters, no conflicts (2 of 4 stars). 2 submissions from 2 submitters: Uncertain significance (2). Last evaluated 2025-06-29.

Conditions:
Inborn genetic diseases. Identifiers: MedGen C0950123, MeSH D030342.

Allele frequency attached by ClinVar (database versions not stated): TOPMed below 0.00001; gnomAD 0.00001; ExAC 0.00003.
gnomAD v4.1: 9 of 1,613,908 alleles (0.00056%); highest among the groups gnomAD compares: South Asian, 0.0033%; 1 homozygote.

Submissions (2):

Ambry Genetics
Classification: Uncertain significance for Inborn genetic diseases. Last evaluated: 2025-06-29. Review status: criteria provided, single submitter. Criteria: Ambry Variant Classification Scheme 2023. Collection method: clinical testing. Allele origin: germline.

Labcorp Genetics (formerly Invitae), Labcorp
Classification: Uncertain significance. Last evaluated: 2025-05-06. Review status: criteria provided, single submitter. Criteria: Invitae Variant Classification Sherloc (09022015). Collection method: clinical testing. Allele origin: germline.
Comment: This sequence change replaces isoleucine, which is neutral and non-polar, with valine, which is neutral and non-polar, at codon 203 of the HK1 protein (p.Ile203Val). This variant is present in population databases (rs754747375, gnomAD 0.007%). This variant has not been reported in the literature in individuals affected with HK1-related conditions. ClinVar contains an entry for this variant (Variation ID: 2043127). Invitae Evidence Modeling of protein sequence and biophysical properties (such as structural, functional, and spatial information, amino acid conservation, physicochemical variation, residue mobility, and thermodynamic stability) indicates that this missense variant is not expected to disrupt HK1 protein function with a negative predictive value of 80%. In summary, the available evidence is currently insufficient to determine the role of this variant in disease. Therefore, it has been classified as a Variant of Uncertain Significance.